The following is an entry in ClinVar:

ClinVar aggregate classification (germline): Uncertain significance (1 of 4 stars; one submission).

Conditions:
Immunodeficiency 18 (IMD18). Also called: CD3epsilon deficiency; CD3-EPSILON DEFICIENCY. Identifiers: MedGen C3810127, MONDO:0014278, OMIM 615615.

gnomAD v4.1: 5 of 1,613,926 alleles (0.00031%); highest among the groups gnomAD compares: Admixed American, 0.0083%; no homozygotes.

Submission:

Labcorp Genetics (formerly Invitae), Labcorp
Classification: Uncertain significance for Immunodeficiency 18. Last evaluated: 2022-07-21. Review status: criteria provided, single submitter. Criteria: Invitae Variant Classification Sherloc (09022015). Collection method: clinical testing. Allele origin: germline.
Comment: This sequence change replaces aspartic acid, which is acidic and polar, with asparagine, which is neutral and polar, at codon 71 of the CD3E protein (p.Asp71Asn). This variant is present in population databases (rs148647954, gnomAD 0.01%). This variant has not been reported in the literature in individuals affected with CD3E-related conditions. ClinVar contains an entry for this variant (Variation ID: 1345430). Algorithms developed to predict the effect of missense changes on protein structure and function output the following: SIFT: "Deleterious"; PolyPhen-2: "Benign"; Align-GVGD: "Class C0". The asparagine amino acid residue is found in multiple mammalian species, which suggests that this missense change does not adversely affect protein function. In summary, the available evidence is currently insufficient to determine the role of this variant in disease. Therefore, it has been classified as a Variant of Uncertain Significance.

NM_000733.4(CD3E):c.211G>A (p.Asp71Asn)

Gene: CD3E (CD3 epsilon subunit of T-cell receptor complex; plus strand). Cytogenetic location: 11q23.3.
Variant type: single nucleotide variant.
Coding change: c.211G>A on transcript NM_000733.4 (MANE Select); coding-DNA position 211, G replaced by A.
Protein change: p.Asp71Asn; replaces aspartic acid 71 with asparagine.
Molecular consequence: missense variant.
Genome position (GRCh38, 1-based): chr11:118,312,725, G>A. VCF-style: chr11-118312725-G-A. GRCh37 (hg19) VCF-style: chr11-118183440-G-A.
Other names: short protein forms D71N.
Identifiers: ClinVar variation 1345430 (VCV001345430.5), dbSNP rs148647954, ClinGen allele CA6301643.